The following is an entry in ClinVar:

ClinVar aggregate classification (germline): Uncertain significance. Review status: criteria provided, multiple submitters, no conflicts (2 of 4 stars). 4 submissions from 4 submitters: Uncertain significance (4). Last evaluated 2026-02-17.

Conditions:
Epidermolysis bullosa simplex 5B, with muscular dystrophy (EBS5B). Also called: EPIDERMOLYSIS BULLOSA SIMPLEX AND LIMB-GIRDLE MUSCULAR DYSTROPHY; Epidermolysis bullosa simplex with muscular dystrophy. Identifiers: Orphanet 257, MedGen C2931072, MONDO:0009181, OMIM 226670.
Epidermolysis bullosa simplex with nail dystrophy (EBS5D). Identifiers: MedGen C4225309, MONDO:0014661, OMIM 616487.
Epidermolysis bullosa simplex, Ogna type (EBS5A). Also called: Pidermolysis bullosa simplex 5A, Ogna type; EPIDERMOLYSIS BULLOSA SIMPLEX 5A, OGNA TYPE. Identifiers: Orphanet 79401, MedGen C0432317, MONDO:0007555, OMIM 131950.
Epidermolysis bullosa simplex 5C, with pyloric atresia (EBS5C). Also called: PLEC-Related Epidermolysis Bullosa with Pyloric Atresia; Epidermolysis bullosa simplex with pyloric atresia; PLEC1-Related Epidermolysis Bullosa with Pyloric Atresia. Identifiers: Orphanet 158684, MedGen C2677349, MONDO:0012807, OMIM 612138.
Autosomal recessive limb-girdle muscular dystrophy type 2Q (LGMDR17). Also called: MUSCULAR DYSTROPHY, LIMB-GIRDLE, AUTOSOMAL RECESSIVE 17. Identifiers: Orphanet 254361, MedGen C3150989, MONDO:0013390, OMIM 613723.

Allele frequency attached by ClinVar (database versions not stated): gnomAD exomes 0.00003 and 0.00005; TOPMed 0.00006; gnomAD 0.00007 and 0.00009; ExAC 0.00013; 1000 Genomes Project 30x 0.00031; 1000 Genomes Project 0.00040.
gnomAD v4.1: 49 of 1,539,748 alleles (0.0032%); highest among the groups gnomAD compares: African/African-American, 0.02%; no homozygotes.

Submissions (4):

Women's Health and Genetics/Laboratory Corporation of America, LabCorp
Classification: Uncertain significance. Last evaluated: 2026-02-17. Review status: criteria provided, single submitter. Criteria: LabCorp Variant Classification Summary - May 2015. Collection method: clinical testing. Allele origin: germline.
Comment: Variant summary: PLEC c.7751G>A (p.Arg2584Gln) results in a conservative amino acid change in the encoded protein sequence. Algorithms developed to predict the effect of missense changes on protein structure and function all suggest that this variant is likely to be tolerated. The variant allele was found at a frequency of 5e-05 in 140456 control chromosomes. The available data on variant occurrences in the general population are insufficient to allow any conclusion about variant significance. To our knowledge, no occurrence of c.7751G>A in individuals affected with PLEC-related conditions and no experimental evidence demonstrating its impact on protein function have been reported. ClinVar contains an entry for this variant (Variation ID: 1525271). Based on the evidence outlined above, the variant was classified as uncertain significance.

Labcorp Genetics (formerly Invitae), Labcorp
Classification: Uncertain significance for Autosomal recessive limb-girdle muscular dystrophy type 2Q; Epidermolysis bullosa simplex, Ogna type; Epidermolysis bullosa simplex with nail dystrophy; Epidermolysis bullosa simplex 5C, with pyloric atresia; Epidermolysis bullosa simplex 5B, with muscular dystrophy. Last evaluated: 2026-01-19. Review status: criteria provided, single submitter. Criteria: Invitae Variant Classification Sherloc (09022015). Collection method: clinical testing. Allele origin: germline.
Comment: This sequence change replaces arginine, which is basic and polar, with glutamine, which is neutral and polar, at codon 2584 of the PLEC protein (p.Arg2584Gln). This variant is present in population databases (rs555720538, gnomAD 0.03%). This variant has not been reported in the literature in individuals affected with PLEC-related conditions. ClinVar contains an entry for this variant (Variation ID: 1525271). Invitae Evidence Modeling of protein sequence and biophysical properties (such as structural, functional, and spatial information, amino acid conservation, physicochemical variation, residue mobility, and thermodynamic stability) indicates that this missense variant is not expected to disrupt PLEC protein function with a negative predictive value of 80%. In summary, the available evidence is currently insufficient to determine the role of this variant in disease. Therefore, it has been classified as a Variant of Uncertain Significance.

Athena Diagnostics
Classification: Uncertain significance. Last evaluated: 2025-06-25. Review status: criteria provided, single submitter. Criteria: Athena Diagnostics Criteria. Collection method: clinical testing. Allele origin: unknown.
Comment: Available data are insufficient to determine the clinical significance of the variant at this time. The frequency of this variant in the general population is uninformative in assessment of its pathogenicity. Polyphen and MutationTaster predict this amino acid change may be benign.

Revvity Omics, Revvity
Classification: Uncertain significance. Last evaluated: 2020-07-29. Review status: criteria provided, single submitter. Criteria: ACMG Guidelines, 2015. Collection method: clinical testing. Allele origin: germline.

NM_201384.3(PLEC):c.7670G>A (p.Arg2557Gln)

Gene: PLEC (plectin; minus strand). Cytogenetic location: 8q24.3.
Variant type: single nucleotide variant.
Coding change: c.7670G>A on transcript NM_201384.3 (MANE Select); coding-DNA position 7670, G replaced by A.
Protein change: p.Arg2557Gln; replaces arginine 2557 with glutamine.
Molecular consequence: missense variant.
Genome position (GRCh38, 1-based): chr8:143,922,151, C>T on the plus strand (G>A on the coding strand, the complement: PLEC is on the minus strand). VCF-style: chr8-143922151-C-T. GRCh37 (hg19) VCF-style: chr8-144996319-C-T.
Other names: c.7751G>A, p.Arg2584Gln (NM_000445.5); c.7628G>A, p.Arg2543Gln (NM_201378.4); c.7604G>A, p.Arg2535Gln (NM_201379.3); c.8081G>A, p.Arg2694Gln (NM_201380.4); c.7574G>A, p.Arg2525Gln (NM_201381.3); c.7670G>A, p.Arg2557Gln (NM_201382.4); c.7682G>A, p.Arg2561Gln (NM_201383.3); c.7751G>A (NM_000445.3); short protein forms R2525Q, R2543Q, R2557Q, R2561Q, R2694Q, R2535Q, R2584Q.
Identifiers: ClinVar variation 1525271 (VCV001525271.10), dbSNP rs555720538, ClinGen allele CA4925549.